The following is an entry in ClinVar:

NM_002693.3(POLG):c.1646del (p.Leu549fs)

Gene: POLG (DNA polymerase gamma, catalytic subunit; minus strand). Cytogenetic location: 15q26.1.
Variant type: Deletion.
Coding change: c.1646del on transcript NM_002693.3 (MANE Select); coding-DNA position 1646, one base deleted (T; older notation c.1646delT).
Protein change: p.Leu549fs; shifts the reading frame from leucine 549.
Molecular consequence: frameshift variant.
Genome position (GRCh38, 1-based): chr15:89,326,678, A deleted on the plus strand (T on the coding strand, the reverse complement: POLG is on the minus strand); the first of 2 consecutive A bases (chr15:89,326,678-89,326,679); deleting either gives the same sequence. VCF-style (leftmost placement, unchanged base first): chr15-89326677-CA-C. GRCh37 (hg19) VCF-style: chr15-89869908-CA-C.
Other names: c.1646del, p.Leu549fs (NM_001126131.2); c.1646delT (NM_002693.2); short protein forms L549fs.
Identifiers: ClinVar variation 449949 (VCV000449949.4), dbSNP rs1555453538, ClinGen allele CA658658322.

ClinVar aggregate classification (germline): Likely pathogenic. Review status: criteria provided, multiple submitters, no conflicts (2 of 4 stars). 2 submissions from 2 submitters: Likely pathogenic (2). Last evaluated 2017-08-03.

Conditions:
Progressive external ophthalmoplegia with mitochondrial DNA deletions, autosomal dominant 1 (PEOA1). Also called: Autosomal Dominant Progressive External Ophthalmoplegia (adPEO); PROGRESSIVE EXTERNAL OPHTHALMOPLEGIA, AUTOSOMAL DOMINANT 1. Identifiers: MedGen C1834846, MONDO:0024528, OMIM 157640.

Submissions (2):

Geisinger Autism and Developmental Medicine Institute, Geisinger Health System
Classification: Likely pathogenic for Progressive external ophthalmoplegia with mitochondrial DNA deletions, autosomal dominant 1. Last evaluated: 2017-08-03. Review status: criteria provided, single submitter. Criteria: ACMG Guidelines, 2015. Collection method: provider interpretation, clinical testing. Allele origin: paternal. Observed: 1 variant allele.
Comment: A second variant, including a deletion or duplication of one or more exons, has not been excluded in this patient. This variant is absent from gnomAD and is predicted to cause loss of normal protein function either through protein truncation or nonsense-mediated mRNA decay. Additionally, whole exome sequencing also identified another de novo variant of uncertain significance.

GeneDx
Classification: Likely pathogenic. Last evaluated: 2017-04-21. Review status: criteria provided, single submitter. Criteria: GeneDx Variant Classification (06012015). Collection method: clinical testing. Allele origin: germline. Affected: yes.
Comment: The c.1646delT variant in the POLG gene has not been reported previously as a pathogenic variantnor as a benign variant, to our knowledge. The c.1646delT variant causes a frameshift starting withcodon Leucine 549, changes this amino acid to a Cysteine residue, and creates a premature Stop codonat position 4 of the new reading frame, denoted p.Leu549CysfsX4. This variant is predicted to causeloss of normal protein function either through protein truncation or nonsense-mediated mRNA decay.The c.1646delT variant is not observed in large population cohorts (Lek et al., 2016; 1000 GenomesConsortium et al., 2015; Exome Variant Server). We interpret c.1646delT as a likely pathogenicvariant.

Literature cited by the submitters: PubMed 23545419 (cited by Geisinger Autism and Developmental Medicine Institute, Geisinger Health System); PubMed 20301791 (cited by Geisinger Autism and Developmental Medicine Institute, Geisinger Health System); PubMed 28837072 (cited by Geisinger Autism and Developmental Medicine Institute, Geisinger Health System); PubMed 20220442 (cited by Geisinger Autism and Developmental Medicine Institute, Geisinger Health System).